The following is an entry in ClinVar:

NM_014233.4(UBTF):c.886C>T (p.Arg296Ter)

Genes: ATXN7L3-AS1 (ATXN7L3 antisense RNA 1; plus strand), UBTF (upstream binding transcription factor; minus strand). Cytogenetic location: 17q21.31.
Variant type: single nucleotide variant.
Coding change: c.886C>T on transcript NM_014233.4 (MANE Select); coding-DNA position 886, C replaced by T.
Protein change: p.Arg296Ter; replaces arginine 296 with a stop codon.
Molecular consequence: nonsense. On other transcripts: non-coding transcript variant (1).
Genome position (GRCh38, 1-based): chr17:44,211,892, G>A on the plus strand (C>T on the coding strand, the complement: UBTF is on the minus strand). VCF-style: chr17-44211892-G-A. GRCh37 (hg19) VCF-style: chr17-42289260-G-A.
Other names: c.775C>T, p.Arg259Ter (NM_001076683.2, NM_001076684.3); short protein forms R259*, R296*.
Identifiers: ClinVar variation 4686344 (VCV004686344.1).

ClinVar aggregate classification (germline): Uncertain significance (1 of 4 stars; one submission).

Submission:

GeneDx
Classification: Uncertain significance. Last evaluated: 2025-07-17. Review status: criteria provided, single submitter. Criteria: GeneDx Variant Classification Process June 2021. Collection method: clinical testing. Allele origin: germline. Affected: yes.
Comment: Not observed at significant frequency in large population cohorts (gnomAD); Nonsense variant predicted to result in protein truncation or nonsense mediated decay in a gene or region of a gene for which loss of function is not a well-established mechanism of disease; Has not been previously published as pathogenic or benign to our knowledge